The following is an entry in ClinVar:

NM_001164665.2(KIAA1549):c.4970C>T (p.Ser1657Leu)

Gene: KIAA1549 (KIAA1549; minus strand). Cytogenetic location: 7q34.
Variant type: single nucleotide variant.
Coding change: c.4970C>T on transcript NM_001164665.2 (MANE Select); coding-DNA position 4970, C replaced by T.
Protein change: p.Ser1657Leu; replaces serine 1657 with leucine.
Molecular consequence: missense variant.
Genome position (GRCh38, 1-based): chr7:138,861,416, G>A on the plus strand (C>T on the coding strand, the complement: KIAA1549 is on the minus strand). VCF-style: chr7-138861416-G-A. GRCh37 (hg19) VCF-style: chr7-138546162-G-A.
Other names: c.4970C>T, p.Ser1657Leu (NM_020910.3); short protein forms S1657L.
Identifiers: ClinVar variation 4533586 (VCV004533586.6).

ClinVar aggregate classification (germline): Uncertain significance (1 of 4 stars; one submission).

gnomAD v4.1: 17 of 1,612,272 alleles (0.0011%); highest among the groups gnomAD compares: Middle Eastern, 0.016%; no homozygotes.

Submission:

CeGaT Center for Human Genetics Tuebingen
Classification: Uncertain significance. Last evaluated: 2025-10-01. Review status: criteria provided, single submitter. Criteria: CeGaT Center For Human Genetics Tuebingen Variant Classification Criteria Version 2. Collection method: clinical testing. Allele origin: germline. Affected: yes. Observed: 1 variant allele.
Comment: KIAA1549: PM2